The following is an entry in ClinVar:

ClinVar aggregate classification (germline): Benign/Likely benign. Review status: criteria provided, multiple submitters, no conflicts (2 of 4 stars). 2 submissions from 2 submitters: Benign (1); Likely benign (1). Last evaluated 2025-11-01.

Allele frequency attached by ClinVar (database versions not stated): ESP Exome Variant Server 0.00022; TOPMed 0.00066; gnomAD exomes 0.00138; 1000 Genomes Project 30x 0.00250; 1000 Genomes Project 0.00280; ExAC 0.00606.

Submissions (2):

CeGaT Center for Human Genetics Tuebingen
Classification: Benign. Last evaluated: 2025-11-01. Review status: criteria provided, single submitter. Criteria: CeGaT Center For Human Genetics Tuebingen Variant Classification Criteria Version 2. Collection method: clinical testing. Allele origin: germline. Affected: yes. Observed: 6 variant alleles.
Comment: SLC37A4: BS1, BS2

Blueprint Genetics
Classification: Likely benign. Last evaluated: 2024-11-27. Review status: criteria provided, single submitter. Criteria: ACMG Guidelines, 2015. Collection method: clinical testing. Allele origin: germline.

NM_001164277.2(SLC37A4):c.985+247C>T

Gene: SLC37A4 (solute carrier family 37 member 4; minus strand). Cytogenetic location: 11q23.3.
Variant type: single nucleotide variant.
Coding change: c.985+247C>T on transcript NM_001164277.2 (MANE Select); 247 bases into the intron after coding-DNA position 985, C replaced by T.
Molecular consequence: intron variant. On other transcripts: missense variant (1).
Genome position (GRCh38, 1-based): chr11:119,025,720, G>A on the plus strand (C>T on the coding strand, the complement: SLC37A4 is on the minus strand). VCF-style: chr11-119025720-G-A. GRCh37 (hg19) VCF-style: chr11-118896430-G-A.
Other names: c.1022C>T, p.Ala341Val (NM_001164278.2); c.766+247C>T (NM_001164279.2); c.985+247C>T (NM_001467.6, NM_001164280.2); short protein forms A341V.
Identifiers: ClinVar variation 2642450 (VCV002642450.25), dbSNP rs191545031, ClinGen allele CA6311661.
Genomic context (GRCh38, chr11:119,025,720, plus strand): 5'-CAGGAGAAAAACCAGAGATATCTTTAAGGCACCTCATGCTCTGTAAAGCCTGTGAGCTCC[G>A]CGAGAGGGTGAAGAGCCAGAGTCCAGAAAGCAACATCCTAGAGGAGCACAGGGAAGAAAA-3'